The following is an entry in ClinVar:

NM_001277062.2(MFF):c.-40-689C>T

Gene: MFF (mitochondrial fission factor; plus strand). Cytogenetic location: 2q36.3.
Variant type: single nucleotide variant.
Coding change: c.-40-689C>T on transcript NM_001277062.2 (MANE Select); 689 bases into the intron before 40 bases upstream of the start codon, C replaced by T.
Molecular consequence: intron variant.
Genome position (GRCh38, 1-based): chr2:227,329,937, C>T. VCF-style: chr2-227329937-C-T. GRCh37 (hg19) VCF-style: chr2-228194653-C-T.
Other names: c.38+154C>T (NM_001277061.2, NM_020194.5); c.-40-689C>T (NM_001277063.2, NM_001277064.2, NM_001277065.2 and 2 more transcripts); c.-36+154C>T (NM_001277067.1).
Identifiers: ClinVar variation 684244 (VCV000684244.2), dbSNP rs34828267, ClinGen allele CA15166195.

ClinVar aggregate classification (germline): Benign. Review status: criteria provided, multiple submitters, no conflicts (2 of 4 stars). 2 submissions from 2 submitters: Benign (2). Last evaluated 2018-06-14.

Allele frequency attached by ClinVar (database versions not stated): 1000 Genomes Project 30x 0.26921; 1000 Genomes Project 0.27137; gnomAD 0.28805 and 0.29517; gnomAD exomes 0.29490.
gnomAD v4.1: 142,902 of 485,312 alleles (29%); highest among the groups gnomAD compares: South Asian, 38%; 23,852 homozygotes.

Submissions (2):

GeneDx
Classification: Benign. Last evaluated: 2018-06-14. Review status: criteria provided, single submitter. Criteria: GeneDx Variant Classification (06012015). Collection method: clinical testing. Allele origin: germline. Affected: yes.
Comment: This variant is considered likely benign or benign based on one or more of the following criteria: it is a conservative change, it occurs at a poorly conserved position in the protein, it is predicted to be benign by multiple in silico algorithms, and/or has population frequency not consistent with disease.

Breakthrough Genomics
Classification: Benign. Review status: criteria provided, single submitter. Criteria: ACMG Guidelines, 2015. Collection method: not provided. Allele origin: germline. Inheritance: Autosomal recessive inheritance. Affected: yes.